The following is an entry in ClinVar:

NM_017617.5(NOTCH1):c.2813G>A (p.Arg938Gln)

Gene: NOTCH1 (notch receptor 1; minus strand). Cytogenetic location: 9q34.3.
Variant type: single nucleotide variant.
Coding change: c.2813G>A on transcript NM_017617.5 (MANE Select); coding-DNA position 2813, G replaced by A.
Protein change: p.Arg938Gln; replaces arginine 938 with glutamine.
Molecular consequence: missense variant.
Genome position (GRCh38, 1-based): chr9:136,509,889, C>T on the plus strand (G>A on the coding strand, the complement: NOTCH1 is on the minus strand). VCF-style: chr9-136509889-C-T. GRCh37 (hg19) VCF-style: chr9-139404341-C-T.
Other names: c.2813G>A, p.Arg938Gln (LRG_1122t1); c.2813G>A (NM_017617.4); short protein forms R938Q.
Identifiers: ClinVar variation 264537 (VCV000264537.21), dbSNP rs35962301, ClinGen allele CA5341141.
Genomic context (GRCh38, chr9:136,509,889, plus strand): 5'-GCCCCGTTGCGGCAGGGGTCACTGGCACACTCGTTGATGTCCTCCTCACAGAAAGTGCCC[C>T]GGAAGCCGGGCAGGCAGTCGCAGAAGGCCGTGTTGATGCCGTCTGTGCAGGAGCCCCCGT-3'
Protein context (NP_060087.3, residues 928-948): TAFCDCLPGF[Arg938Gln]GTFCEEDINE

ClinVar aggregate classification (germline): Benign/Likely benign. Review status: criteria provided, multiple submitters, no conflicts (2 of 4 stars). 9 submissions from 8 submitters: Benign (6); Likely benign (3). Last evaluated 2026-02-01.

Conditions:
Adams-Oliver syndrome 5 (AOS5). Identifiers: Orphanet 974, MedGen C4014970, MONDO:0014459, OMIM 616028.
Familial thoracic aortic aneurysm and aortic dissection (TAAD). Also called: Thoracic aortic aneurysms and dissections. Identifiers: Orphanet 91387, MedGen C4707243, MONDO:0019625.
Aortic valve disease 1 (AOVD1). Identifiers: MedGen C3887892, MONDO:0024523, OMIM 109730.

Allele frequency attached by ClinVar (database versions not stated): gnomAD exomes 0.00019 and 0.00044; ExAC 0.00049; ESP Exome Variant Server 0.00169; gnomAD 0.00184 and 0.00195; TOPMed 0.00202; 1000 Genomes Project 30x 0.00250; 1000 Genomes Project 0.00280.
gnomAD v4.1: 561 of 1,613,190 alleles (0.035%); highest among the groups gnomAD compares: African/African-American, 0.68%; 4 homozygotes.

Submissions (9):

Labcorp Genetics (formerly Invitae), Labcorp
Classification: Benign for Adams-Oliver syndrome 5. Last evaluated: 2026-02-01. Review status: criteria provided, single submitter. Criteria: Invitae Variant Classification Sherloc (09022015). Collection method: clinical testing. Allele origin: germline.

ARUP Laboratories, Molecular Genetics and Genomics, ARUP Laboratories
Classification: Likely benign. Last evaluated: 2025-06-16. Review status: criteria provided, single submitter. Criteria: ARUP Molecular Germline Variant Investigation Process 2024. Collection method: clinical testing. Allele origin: germline.

Blueprint Genetics
Classification: Likely benign. Last evaluated: 2024-11-11. Review status: criteria provided, single submitter. Criteria: ACMG Guidelines, 2015. Collection method: clinical testing. Allele origin: germline.

Women's Health and Genetics/Laboratory Corporation of America, LabCorp
Classification: Likely benign. Last evaluated: 2023-07-21. Review status: criteria provided, single submitter. Criteria: LabCorp Variant Classification Summary - May 2015. Collection method: clinical testing. Allele origin: germline.

Genome-Nilou Lab
Classification: Benign for Adams-Oliver syndrome 5. Last evaluated: 2022-03-15. Review status: criteria provided, single submitter. Criteria: ACMG Guidelines, 2015. Collection method: clinical testing. Allele origin: germline. Affected: no.

Genome-Nilou Lab
Classification: Benign for Aortic valve disease 1. Last evaluated: 2022-03-15. Review status: criteria provided, single submitter. Criteria: ACMG Guidelines, 2015. Collection method: clinical testing. Allele origin: germline. Affected: no.

GeneDx
Classification: Benign. Last evaluated: 2017-04-20. Review status: criteria provided, single submitter. Criteria: GeneDx Variant Classification (06012015). Collection method: clinical testing. Allele origin: germline. Affected: yes.
Comment: This variant is considered likely benign or benign based on one or more of the following criteria: it is a conservative change, it occurs at a poorly conserved position in the protein, it is predicted to be benign by multiple in silico algorithms, and/or has population frequency not consistent with disease.

Ambry Genetics
Classification: Benign for Familial thoracic aortic aneurysm and aortic dissection. Last evaluated: 2015-12-02. Review status: criteria provided, single submitter. Criteria: Ambry Variant Classification Scheme 2023. Collection method: clinical testing. Allele origin: germline.

Breakthrough Genomics
Classification: Benign. Review status: criteria provided, single submitter. Criteria: ACMG Guidelines, 2015. Collection method: not provided. Allele origin: germline. Inheritance: Autosomal dominant inheritance. Affected: yes.

Literature cited by the submitters: PubMed 24943832 (cited by Women's Health and Genetics/Laboratory Corporation of America, LabCorp); PubMed 16614245 (cited by Women's Health and Genetics/Laboratory Corporation of America, LabCorp); PubMed 21670202 (cited by Women's Health and Genetics/Laboratory Corporation of America, LabCorp); PubMed 22210878 (cited by Women's Health and Genetics/Laboratory Corporation of America, LabCorp); PubMed 19635999 (cited by Women's Health and Genetics/Laboratory Corporation of America, LabCorp); PubMed 26837699 (cited by Women's Health and Genetics/Laboratory Corporation of America, LabCorp); PubMed 23086750 (cited by Women's Health and Genetics/Laboratory Corporation of America, LabCorp); PubMed 19245433 (cited by Women's Health and Genetics/Laboratory Corporation of America, LabCorp); PubMed 22077063 (cited by Women's Health and Genetics/Laboratory Corporation of America, LabCorp); PubMed 15472075 (cited by Women's Health and Genetics/Laboratory Corporation of America, LabCorp); PubMed 23734977 (cited by Women's Health and Genetics/Laboratory Corporation of America, LabCorp); PubMed 22858860 (cited by Women's Health and Genetics/Laboratory Corporation of America, LabCorp).